The following is an entry in ClinVar:

NM_005251.3(FOXC2):c.1026C>G (p.Ala342=)

Gene: FOXC2 (forkhead box C2; plus strand). Cytogenetic location: 16q24.1.
Variant type: single nucleotide variant.
Coding change: c.1026C>G on transcript NM_005251.3 (MANE Select); coding-DNA position 1026, C replaced by G.
Protein change: p.Ala342=; no amino-acid change (alanine 342 retained).
Molecular consequence: synonymous variant.
Genome position (GRCh38, 1-based): chr16:86,568,361, C>G. VCF-style: chr16-86568361-C-G. GRCh37 (hg19) VCF-style: chr16-86601967-C-G.
Identifiers: ClinVar variation 3700155 (VCV003700155.2).

ClinVar aggregate classification (germline): Uncertain significance (1 of 4 stars; one submission).

Submission:

Labcorp Genetics (formerly Invitae), Labcorp
Classification: Uncertain significance. Last evaluated: 2024-11-19. Review status: criteria provided, single submitter. Criteria: Invitae Variant Classification Sherloc (09022015). Collection method: clinical testing. Allele origin: germline.
Comment: This sequence change affects codon 342 of the FOXC2 mRNA. It is a 'silent' change, meaning that it does not change the encoded amino acid sequence of the FOXC2 protein. This variant is not present in population databases (gnomAD no frequency). This variant has not been reported in the literature in individuals affected with FOXC2-related conditions. In summary, the available evidence is currently insufficient to determine the role of this variant in disease. Therefore, it has been classified as a Variant of Uncertain Significance.